The following is an entry in ClinVar:

NM_001159699.2(FHL1):c.205-1G>A

Gene: FHL1 (four and a half LIM domains 1; plus strand). Cytogenetic location: Xq26.3.
Variant type: single nucleotide variant.
Coding change: c.205-1G>A on transcript NM_001159699.2 (MANE Select); the canonical splice acceptor site of the intron before coding-DNA position 205, G replaced by A.
Molecular consequence: splice acceptor variant.
Genome position (GRCh38, 1-based): chrX:136,207,015, G>A. VCF-style: chrX-136207015-G-A. GRCh37 (hg19) VCF-style: chrX-135289174-G-A.
Other names: c.157-1G>A (NM_001159702.3, NM_001449.5, NM_001159703.2 and 9 more transcripts); c.244-1G>A (NM_001159701.2); c.205-1G>A (NM_001330659.2).
Identifiers: ClinVar variation 967181 (VCV000967181.32), dbSNP rs2073859427, ClinGen allele CA414607872.

ClinVar aggregate classification (germline): Conflicting classifications of pathogenicity. Review status: criteria provided, conflicting classifications (1 of 4 stars). 2 submissions from 2 submitters: Likely pathogenic (1); Uncertain significance (1). Last evaluated 2023-07-01.

Conditions:
X-linked myopathy with postural muscle atrophy. Also called: FHL1-Related Emery-Dreifuss Muscular Dystrophy, X-Linked. Identifiers: Orphanet 178461, MedGen C2678055, MONDO:0010401, OMIM 300696.

Submissions (2):

CeGaT Center for Human Genetics Tuebingen
Classification: Uncertain significance. Last evaluated: 2023-07-01. Review status: criteria provided, single submitter. Criteria: CeGaT Center For Human Genetics Tuebingen Variant Classification Criteria Version 2. Collection method: clinical testing. Allele origin: germline. Affected: yes. Observed: 1 variant allele.
Comment: FHL1: PM2

Labcorp Genetics (formerly Invitae), Labcorp
Classification: Likely pathogenic for X-linked myopathy with postural muscle atrophy. Last evaluated: 2019-10-05. Review status: criteria provided, single submitter. Criteria: Invitae Variant Classification Sherloc (09022015). Collection method: clinical testing. Allele origin: germline.
Comment: This variant is not present in population databases (ExAC no frequency). This variant has not been reported in the literature in individuals with FHL1-related conditions. Donor and acceptor splice site variants typically lead to a loss of protein function (PMID: 16199547), and loss-of-function variants in FHL1 are known to be pathogenic (PMID: 18179888, 19687455, 19716112, 22523091, 24114807). In summary, the currently available evidence indicates that the variant is pathogenic, but additional data are needed to prove that conclusively. Therefore, this variant has been classified as Likely Pathogenic. This sequence change affects an acceptor splice site in intron 3 of the FHL1 gene. It is expected to disrupt RNA splicing and likely results in an absent or disrupted protein product.

Literature cited by the submitters: PubMed 16199547 (cited by Labcorp Genetics (formerly Invitae), Labcorp); PubMed 18179888 (cited by Labcorp Genetics (formerly Invitae), Labcorp); PubMed 19687455 (cited by Labcorp Genetics (formerly Invitae), Labcorp); PubMed 19716112 (cited by Labcorp Genetics (formerly Invitae), Labcorp); PubMed 22523091 (cited by Labcorp Genetics (formerly Invitae), Labcorp); PubMed 24114807 (cited by Labcorp Genetics (formerly Invitae), Labcorp).